The following is an entry in ClinVar:

NM_000343.4(SLC5A1):c.1570G>A (p.Val524Met)

Gene: SLC5A1 (solute carrier family 5 member 1; plus strand). Cytogenetic location: 22q12.3.
Variant type: single nucleotide variant.
Coding change: c.1570G>A on transcript NM_000343.4 (MANE Select); coding-DNA position 1570, G replaced by A.
Protein change: p.Val524Met; replaces valine 524 with methionine.
Molecular consequence: missense variant.
Genome position (GRCh38, 1-based): chr22:32,102,142, G>A. VCF-style: chr22-32102142-G-A. GRCh37 (hg19) VCF-style: chr22-32498129-G-A.
Other names: c.1189G>A, p.Val397Met (NM_001256314.2); short protein forms V397M, V524M.
Identifiers: ClinVar variation 1402742 (VCV001402742.8), dbSNP rs2149497555, ClinGen allele CA411313371.
Genomic context (GRCh38, chr22:32,102,142, plus strand): 5'-TTTGCTTATGGAACCGGGAGCTGCATGGAGCCCAGCAACTGTCCCACGATTATCTGTGGG[G>A]TGCACTACTTGTACTTTGCCATTATCCTCTTCGCCATTTCTTTCATCACCATCGTGGTCA-3'
Protein context (NP_000334.1, residues 514-534): PSNCPTIICG[Val524Met]HYLYFAIILF

ClinVar aggregate classification (germline): Uncertain significance (1 of 4 stars; one submission).

Conditions:
Congenital glucose-galactose malabsorption (GGM). Also called: DIARRHEA 16; MONOSACCHARIDE MALABSORPTION. Identifiers: Orphanet 35710, MedGen C0268186, MONDO:0011731, OMIM 606824.

Submission:

Labcorp Genetics (formerly Invitae), Labcorp
Classification: Uncertain significance for Congenital glucose-galactose malabsorption. Last evaluated: 2021-03-07. Review status: criteria provided, single submitter. Criteria: Invitae Variant Classification Sherloc (09022015). Collection method: clinical testing. Allele origin: germline.
Comment: This sequence change replaces valine with methionine at codon 524 of the SLC5A1 protein (p.Val524Met). The valine residue is highly conserved and there is a small physicochemical difference between valine and methionine. This variant is not present in population databases (ExAC no frequency). This variant has not been reported in the literature in individuals with SLC5A1-related conditions. Algorithms developed to predict the effect of missense changes on protein structure and function are either unavailable or do not agree on the potential impact of this missense change (SIFT: "Deleterious"; PolyPhen-2: "Possibly Damaging"; Align-GVGD: "Class C0"). In summary, the available evidence is currently insufficient to determine the role of this variant in disease. Therefore, it has been classified as a Variant of Uncertain Significance.